The following is an entry in ClinVar:

NM_006514.4(SCN10A):c.434T>C (p.Val145Ala)

Gene: SCN10A (sodium voltage-gated channel alpha subunit 10; minus strand). Cytogenetic location: 3p22.2.
Variant type: single nucleotide variant.
Coding change: c.434T>C on transcript NM_006514.4 (MANE Select); coding-DNA position 434, T replaced by C.
Protein change: p.Val145Ala; replaces valine 145 with alanine.
Molecular consequence: missense variant.
Genome position (GRCh38, 1-based): chr3:38,788,992, A>G on the plus strand (T>C on the coding strand, the complement: SCN10A is on the minus strand). VCF-style: chr3-38788992-A-G. GRCh37 (hg19) VCF-style: chr3-38830483-A-G.
Other names: c.434T>C, p.Val145Ala (NM_001293306.2, NM_001293307.2); c.434T>C (NM_006514.2); short protein forms V145A.
Identifiers: ClinVar variation 1299339 (VCV001299339.5), dbSNP rs367751260, ClinGen allele CA2321207.
Genomic context (GRCh38, chr3:38,788,992, plus strand): 5'-AATAATGATAGCAAATCTACTCACTCAATTTTCTCTGGAAGGTCAGTTCGGGTCATGCAC[A>G]CACAATTAACCAAAATAGTGACCGTAATAAATAAACTGAACCACCTGAAAGGCCTGTGTT-3'
Protein context (NP_006505.4, residues 135-155): FITVTILVNC[Val145Ala]CMTRTDLPEK

ClinVar aggregate classification (germline): Uncertain significance. Review status: criteria provided, multiple submitters, no conflicts (2 of 4 stars). 3 submissions from 3 submitters: Uncertain significance (3). Last evaluated 2023-03-18.

Conditions:
Episodic pain syndrome, familial, 2 (FEPS2). Identifiers: Orphanet 306577, MedGen C3809893, MONDO:0014246, OMIM 615551.
Cardiovascular phenotype. Identifiers: MedGen CN230736.

Allele frequency attached by ClinVar (database versions not stated): ExAC 0.00001; gnomAD exomes 0.00001; gnomAD 0.00002; TOPMed 0.00003; ESP Exome Variant Server 0.00008.
gnomAD v4.1: 20 of 1,612,306 alleles (0.0012%); highest among the groups gnomAD compares: Non-Finnish European, 0.0016%; no homozygotes.

Submissions (3):

Ambry Genetics
Classification: Uncertain significance for Cardiovascular phenotype. Last evaluated: 2023-03-18. Review status: criteria provided, single submitter. Criteria: Ambry Variant Classification Scheme 2023. Collection method: clinical testing. Allele origin: germline.
Comment: The p.V145A variant (also known as c.434T>C), located in coding exon 3 of the SCN10A gene, results from a T to C substitution at nucleotide position 434. The valine at codon 145 is replaced by alanine, an amino acid with similar properties. This amino acid position is not well conserved in available vertebrate species. In addition, the in silico prediction for this alteration is inconclusive. Since supporting evidence is limited at this time, the clinical significance of this alteration remains unclear.

Institute of Human Genetics, University of Leipzig Medical Center
Classification: Uncertain significance for Episodic pain syndrome, familial, 2. Last evaluated: 2021-09-30. Review status: criteria provided, single submitter. Criteria: ACMG Guidelines, 2015. Collection method: clinical testing. Allele origin: unknown. Affected: yes.

Fulgent Genetics
Classification: Uncertain significance for Episodic pain syndrome, familial, 2. Last evaluated: 2021-08-06. Review status: criteria provided, single submitter. Criteria: ACMG Guidelines, 2015. Collection method: clinical testing. Allele origin: unknown.